The following is an entry in ClinVar:

ClinVar aggregate classification (germline): Pathogenic (1 of 4 stars; one submission).

Conditions:
Ehlers-Danlos syndrome, dermatosparaxis type. Also called: Dermatosparaxis; Ehlers-Danlos syndrome, type VII, autosomal recessive; EDS VIIC. Identifiers: Orphanet 1901, MedGen C2700425, MONDO:0009161, OMIM 225410.

Submission:

Labcorp Genetics (formerly Invitae), Labcorp
Classification: Pathogenic for Ehlers-Danlos syndrome, dermatosparaxis type. Last evaluated: 2024-03-13. Review status: criteria provided, single submitter. Criteria: Invitae Variant Classification Sherloc (09022015). Collection method: clinical testing. Allele origin: germline.
Comment: This sequence change creates a premature translational stop signal (p.Val667Glyfs*10) in the ADAMTS2 gene. It is expected to result in an absent or disrupted protein product. Loss-of-function variants in ADAMTS2 are known to be pathogenic (PMID: 10417273). This variant is not present in population databases (gnomAD no frequency). This variant has not been reported in the literature in individuals affected with ADAMTS2-related conditions. Algorithms developed to predict the effect of sequence changes on RNA splicing suggest that this variant may disrupt the consensus splice site. For these reasons, this variant has been classified as Pathogenic.

Literature cited by the submitters: PubMed 10417273.

NM_014244.5(ADAMTS2):c.1999dup (p.Val667fs)

Gene: ADAMTS2 (ADAM metallopeptidase with thrombospondin type 1 motif 2; minus strand). Cytogenetic location: 5q35.3.
Variant type: Duplication.
Coding change: c.1999dup on transcript NM_014244.5 (MANE Select); coding-DNA position 1999, one base duplicated (G; older notation c.1999dupG).
Protein change: p.Val667fs; shifts the reading frame from valine 667.
Molecular consequence: frameshift variant.
Genome position (GRCh38, 1-based): chr5:179,135,995, C duplicated on the plus strand (G on the coding strand, the reverse complement: ADAMTS2 is on the minus strand); the first of 2 consecutive C bases (chr5:179,135,995-179,135,996); duplicating either gives the same sequence. VCF-style (leftmost placement, unchanged base first): chr5-179135994-A-AC. GRCh37 (hg19) VCF-style: chr5-178562995-A-AC.
Other names: short protein forms V667fs.
Identifiers: ClinVar variation 3645697 (VCV003645697.2).